The following is an entry in ClinVar:

ClinVar aggregate classification (germline): Likely benign. Review status: criteria provided, single submitter (1 of 4 stars). 2 submissions from 2 submitters: Likely benign (1). 1 of the submissions does not count toward it. Last evaluated 2022-12-18.

Conditions:
PRPF8-related disorder. Also called: PRPF8-related condition.

Allele frequency attached by ClinVar (database versions not stated): gnomAD exomes 0.00001 and 0.00002; ExAC 0.00002; gnomAD 0.00003 and 0.00004.
gnomAD v4.1: 13 of 1,613,976 alleles (0.00081%); highest among the groups gnomAD compares: Non-Finnish European, 0.0011%; no homozygotes.

Submissions (2):

Labcorp Genetics (formerly Invitae), Labcorp
Classification: Likely benign. Last evaluated: 2022-12-18. Review status: criteria provided, single submitter. Criteria: Invitae Variant Classification Sherloc (09022015). Collection method: clinical testing. Allele origin: germline.

PreventionGenetics, part of Exact Sciences
Classification: Likely benign for PRPF8-related condition. Last evaluated: 2019-04-09. Review status: no assertion criteria provided. Collection method: clinical testing. Allele origin: germline. Not counted in ClinVar's aggregate classification.
Comment: This variant is classified as likely benign based on ACMG/AMP sequence variant interpretation guidelines (Richards et al. 2015 PMID: 25741868, with internal and published modifications).

NM_006445.4(PRPF8):c.2389-10C>T

Gene: PRPF8 (pre-mRNA processing factor 8; minus strand). Cytogenetic location: 17p13.3.
Variant type: single nucleotide variant.
Coding change: c.2389-10C>T on transcript NM_006445.4 (MANE Select); 10 bases into the intron before coding-DNA position 2389, C replaced by T.
Molecular consequence: intron variant.
Genome position (GRCh38, 1-based): chr17:1,676,380, G>A on the plus strand (C>T on the coding strand, the complement: PRPF8 is on the minus strand). VCF-style: chr17-1676380-G-A. GRCh37 (hg19) VCF-style: chr17-1579674-G-A.
Other names: c.2389-10C>T (NM_006445.3).
Identifiers: ClinVar variation 1648150 (VCV001648150.10), dbSNP rs766724833, ClinGen allele CA8272123.
Genomic context (GRCh38, chr17:1,676,380, plus strand): 5'-TGTGGTGGTATATACTGCCACTGCTTCCTCCGCTGTGATGTAAGGCCCGTCCTGTAAGGT[G>A]GACATGAAATTAGCCTCCCGCTACAGCCCGATCCTGCCAGAACAAGGTTCAGTCACAACT-3'